The following is an entry in ClinVar:

NM_001077365.2(POMT1):c.797_808del (p.Val266_Ser269del)

Gene: POMT1 (protein O-mannosyltransferase 1; plus strand). Cytogenetic location: 9q34.13.
Variant type: Deletion.
Coding change: c.797_808del on transcript NM_001077365.2 (MANE Select); coding-DNA positions 797 to 808, 12 bases deleted (TCTTCCGCTCTG).
Protein change: p.Val266_Ser269del.
Molecular consequence: inframe deletion. On other transcripts: inframe indel (1), non-coding transcript variant (10).
Genome position (GRCh38, 1-based): chr9:131,510,357-131,510,368, TCTTCCGCTCTG deleted; deleting any 12 consecutive bases within chr9:131,510,356-131,510,368 gives the same sequence; the c. name uses the placement nearest the transcript's 3' end. VCF-style (leftmost placement, unchanged base first): chr9-131510355-AGTCTTCCGCTCT-A. GRCh37 (hg19) VCF-style: chr9-134385742-AGTCTTCCGCTCT-A.
Other names: c.635_646del, p.Val212_Ser215del (NM_001077366.2, NM_001353194.2, NM_001374693.1); c.797_808del, p.Val266_Ser269del (NM_001136113.2, NM_001374690.1); c.446_457del, p.Val149_Ser152del (NM_001136114.2, NM_001353195.2, NM_001374691.1 and 1 more transcripts); c.863_874del, p.Val288_Ser291del (NM_001353193.2, NM_007171.4); c.707_718del, p.Val236_Ser239del (NM_001353196.2); c.701_712del, p.Val234_Ser237del (NM_001353197.2, NM_001353198.2); c.512_523del, p.Val171_Ser174del (NM_001353199.2); c.341_352del, p.Val114_Ser117del (NM_001353200.2); and 3 more.
Identifiers: ClinVar variation 2041524 (VCV002041524.4), dbSNP rs2539148326, ClinGen allele CA2580079944.

ClinVar aggregate classification (germline): Uncertain significance (1 of 4 stars; one submission).

Conditions:
Walker-Warburg congenital muscular dystrophy. Also called: Muscular dystrophy-dystroglycanopathy, type A; Walker-Warburg syndrome. Identifiers: Orphanet 899, MedGen C0265221, MONDO:0000171.
Muscular dystrophy-dystroglycanopathy (congenital with impaired intellectual development), type B, 1. Also called: MUSCULAR DYSTROPHY, CONGENITAL, POMT1-RELATED; Muscular dystrophy-dystroglycanopathy (congenital with intellectual disability), type B1. Identifiers: MedGen C5436962, MONDO:0013159, OMIM 613155.
Autosomal recessive limb-girdle muscular dystrophy type 2K. Also called: MUSCULAR DYSTROPHY-DYSTROGLYCANOPATHY (LIMB-GIRDLE), TYPE C, 1; MUSCULAR DYSTROPHY, LIMB-GIRDLE, TYPE 2K. Identifiers: Orphanet 86812, MedGen C1836373, MONDO:0012248, OMIM 609308.

Submission:

Labcorp Genetics (formerly Invitae), Labcorp
Classification: Uncertain significance for Muscular dystrophy-dystroglycanopathy (congenital with impaired intellectual development), type B, 1; Walker-Warburg congenital muscular dystrophy; Autosomal recessive limb-girdle muscular dystrophy type 2K. Last evaluated: 2022-03-22. Review status: criteria provided, single submitter. Criteria: Invitae Variant Classification Sherloc (09022015). Collection method: clinical testing. Allele origin: germline.
Comment: This variant, c.863_874del, results in the deletion of 4 amino acid(s) of the POMT1 protein (p.Val288_Ser291del), but otherwise preserves the integrity of the reading frame. This variant is not present in population databases (gnomAD no frequency). In summary, the available evidence is currently insufficient to determine the role of this variant in disease. Therefore, it has been classified as a Variant of Uncertain Significance. Algorithms developed to predict the effect of sequence changes on RNA splicing suggest that this variant may disrupt the consensus splice site. Experimental studies and prediction algorithms are not available or were not evaluated, and the functional significance of this variant is currently unknown. This variant has not been reported in the literature in individuals affected with POMT1-related conditions.